The following is an entry in ClinVar:

ClinVar aggregate classification (germline): Uncertain significance (1 of 4 stars; one submission).

Conditions:
Spermatogenic failure 18. Identifiers: MedGen C4539783, MONDO:0054615, OMIM 617576.
Ciliary dyskinesia, primary, 37 (CILD37). Also called: CILIARY DYSKINESIA, PRIMARY, 37, WITH OR WITHOUT SITUS INVERSUS. Identifiers: MedGen C4539798, MONDO:0033204, OMIM 617577.

Allele frequency attached by ClinVar (database versions not stated): TOPMed below 0.00001; gnomAD 0.00001.
gnomAD v4.1: 9 of 1,596,424 alleles (0.00056%); highest among the groups gnomAD compares: Admixed American, 0.0017%; no homozygotes.

Submission:

Labcorp Genetics (formerly Invitae), Labcorp
Classification: Uncertain significance for Ciliary dyskinesia, primary, 37; Spermatogenic failure 18. Last evaluated: 2022-08-19. Review status: criteria provided, single submitter. Criteria: Invitae Variant Classification Sherloc (09022015). Collection method: clinical testing. Allele origin: germline.
Comment: This sequence change falls in intron 74 of the DNAH1 gene. It does not directly change the encoded amino acid sequence of the DNAH1 protein. It affects a nucleotide within the consensus splice site. This variant is present in population databases (rs749479420, gnomAD 0.003%). This variant has not been reported in the literature in individuals affected with DNAH1-related conditions. ClinVar contains an entry for this variant (Variation ID: 849420). Variants that disrupt the consensus splice site are a relatively common cause of aberrant splicing (PMID: 17576681, 9536098). Algorithms developed to predict the effect of sequence changes on RNA splicing suggest that this variant may disrupt the consensus splice site. In summary, the available evidence is currently insufficient to determine the role of this variant in disease. Therefore, it has been classified as a Variant of Uncertain Significance.

Literature cited by the submitters: PubMed 17576681; PubMed 9536098.

NM_015512.5(DNAH1):c.11958+5G>C

Gene: DNAH1 (dynein axonemal heavy chain 1; plus strand). Cytogenetic location: 3p21.1.
Variant type: single nucleotide variant.
Coding change: c.11958+5G>C on transcript NM_015512.5 (MANE Select); 5 bases into the intron after coding-DNA position 11958, G replaced by C.
Molecular consequence: intron variant.
Genome position (GRCh38, 1-based): chr3:52,397,882, G>C. VCF-style: chr3-52397882-G-C. GRCh37 (hg19) VCF-style: chr3-52431898-G-C.
Identifiers: ClinVar variation 849420 (VCV000849420.4), dbSNP rs749479420, ClinGen allele CA2436334.